The following is an entry in ClinVar:

NM_020529.3(NFKBIA):c.947C>T (p.Thr316Met)

Gene: NFKBIA (NFKB inhibitor alpha; minus strand). Cytogenetic location: 14q13.2.
Variant type: single nucleotide variant.
Coding change: c.947C>T on transcript NM_020529.3 (MANE Select); coding-DNA position 947, C replaced by T.
Protein change: p.Thr316Met; replaces threonine 316 with methionine.
Molecular consequence: missense variant.
Genome position (GRCh38, 1-based): chr14:35,402,020, G>A on the plus strand (C>T on the coding strand, the complement: NFKBIA is on the minus strand). VCF-style: chr14-35402020-G-A. GRCh37 (hg19) VCF-style: chr14-35871226-G-A.
Other names: short protein forms T316M.
Identifiers: ClinVar variation 2913825 (VCV002913825.4), dbSNP rs775963900, ClinGen allele CA7155297.
Genomic context (GRCh38, chr14:35,402,020, plus strand): 5'-AACTTTTTTTTTGTACAAATATACAAGTCCATGTTCTTTCAGCCCCTTTGCGCTCATAAC[G>A]TCAGACGCTGGCCTCCAAACACACAGTCATCATAGGGCAGCTGAAAACAAGGGGAAAAAA-3'
Protein context (NP_065390.1, residues 306-317): DDCVFGGQRL[Thr316Met]L

ClinVar aggregate classification (germline): Uncertain significance. Review status: criteria provided, multiple submitters, no conflicts (2 of 4 stars). 2 submissions from 2 submitters: Uncertain significance (2). Last evaluated 2025-09-05.

Conditions:
Inborn genetic diseases. Identifiers: MedGen C0950123, MeSH D030342.
Ectodermal dysplasia and immunodeficiency 2. Identifiers: Orphanet 238468, Orphanet 98813, MedGen C2677481, MONDO:0012806, OMIM 612132.

Allele frequency attached by ClinVar (database versions not stated): ExAC 0.00001; gnomAD exomes 0.00001; TOPMed 0.00001.
gnomAD v4.1: 24 of 1,613,514 alleles (0.0015%); highest among the groups gnomAD compares: African/African-American, 0.004%; no homozygotes.

Submissions (2):

Ambry Genetics
Classification: Uncertain significance for Inborn genetic diseases. Last evaluated: 2025-09-05. Review status: criteria provided, single submitter. Criteria: Ambry Variant Classification Scheme 2023. Collection method: clinical testing. Allele origin: germline.

Labcorp Genetics (formerly Invitae), Labcorp
Classification: Uncertain significance for Ectodermal dysplasia and immunodeficiency 2. Last evaluated: 2024-01-15. Review status: criteria provided, single submitter. Criteria: Invitae Variant Classification Sherloc (09022015). Collection method: clinical testing. Allele origin: germline.
Comment: This sequence change replaces threonine, which is neutral and polar, with methionine, which is neutral and non-polar, at codon 316 of the NFKBIA protein (p.Thr316Met). This variant is present in population databases (rs775963900, gnomAD 0.01%). This variant has not been reported in the literature in individuals affected with NFKBIA-related conditions. An algorithm developed to predict the effect of missense changes on protein structure and function (PolyPhen-2) suggests that this variant is likely to be tolerated. In summary, the available evidence is currently insufficient to determine the role of this variant in disease. Therefore, it has been classified as a Variant of Uncertain Significance.